The following is an entry in ClinVar:

NM_002444.3(MSN):c.461C>T (p.Pro154Leu)

Gene: MSN (moesin; plus strand). Cytogenetic location: Xq12.
Variant type: single nucleotide variant.
Coding change: c.461C>T on transcript NM_002444.3 (MANE Select); coding-DNA position 461, C replaced by T.
Protein change: p.Pro154Leu; replaces proline 154 with leucine.
Molecular consequence: missense variant.
Genome position (GRCh38, 1-based): chrX:65,729,706, C>T. VCF-style: chrX-65729706-C-T. GRCh37 (hg19) VCF-style: chrX-64949568-C-T.
Other names: short protein forms P154L.
Identifiers: ClinVar variation 2121223 (VCV002121223.4), dbSNP rs2523002037, ClinGen allele CA413415811.

ClinVar aggregate classification (germline): Uncertain significance (1 of 4 stars; one submission).

gnomAD v4.1: 2 of 1,209,469 alleles (0.00017%); highest among the groups gnomAD compares: Non-Finnish European, 0.00022%; no homozygotes.

Submission:

Labcorp Genetics (formerly Invitae), Labcorp
Classification: Uncertain significance. Last evaluated: 2022-06-08. Review status: criteria provided, single submitter. Criteria: Invitae Variant Classification Sherloc (09022015). Collection method: clinical testing. Allele origin: germline.
Comment: This sequence change replaces proline, which is neutral and non-polar, with leucine, which is neutral and non-polar, at codon 154 of the MSN protein (p.Pro154Leu). In summary, the available evidence is currently insufficient to determine the role of this variant in disease. Therefore, it has been classified as a Variant of Uncertain Significance. Algorithms developed to predict the effect of missense changes on protein structure and function are either unavailable or do not agree on the potential impact of this missense change (SIFT: "Deleterious"; PolyPhen-2: "Probably Damaging"; Align-GVGD: "Class C0"). This variant has not been reported in the literature in individuals affected with MSN-related conditions. This variant is not present in population databases (gnomAD no frequency).